The following is an entry in ClinVar:

ClinVar aggregate classification (germline): Likely benign (1 of 4 stars; one submission).

gnomAD v4.1: 3,146 of 457,138 alleles (0.69%); highest among the groups gnomAD compares: Non-Finnish European, 0.99%; 12 homozygotes.

Submission:

CeGaT Center for Human Genetics Tuebingen
Classification: Likely benign. Last evaluated: 2026-09-01. Review status: criteria provided, single submitter. Criteria: CeGaT Center For Human Genetics Tuebingen Variant Classification Criteria Version 2. Collection method: clinical testing. Allele origin: germline. Affected: yes. Observed: 15 variant alleles.
Comment: C8orf17: BS2

NM_001160372.4(TRAPPC9):c.2811-22188G>A

Genes: C8orf17 (chromosome 8 putative open reading frame 17; plus strand), TRAPPC9 (trafficking protein particle complex subunit 9; minus strand). Cytogenetic location: 8q24.3.
Variant type: single nucleotide variant.
Coding change: c.2811-22188G>A on transcript NM_001160372.4 (MANE Select); 22188 bases into the intron before coding-DNA position 2811, G replaced by A.
Molecular consequence: intron variant. On other transcripts: non-coding transcript variant (1).
Genome position (GRCh38, 1-based): chr8:139,932,488, C>T on the plus strand (G>A on the coding strand, the complement: TRAPPC9 is on the minus strand). VCF-style: chr8-139932488-C-T. GRCh37 (hg19) VCF-style: chr8-140944732-C-T.
Other names: c.2811-22188G>A (NM_031466.8); c.2784-22188G>A (NM_001321646.2); c.2667-22188G>A (NM_001374684.1); c.2700-22188G>A (NM_001374683.1); c.2832-22188G>A (NM_001374682.1).
Identifiers: ClinVar variation 3341553 (VCV003341553.16).